The following is an entry in ClinVar:

NM_012120.3(CD2AP):c.1188C>G (p.Thr396=)

Gene: CD2AP (CD2 associated protein; plus strand). Cytogenetic location: 6p12.3.
Variant type: single nucleotide variant.
Coding change: c.1188C>G on transcript NM_012120.3 (MANE Select); coding-DNA position 1188, C replaced by G.
Protein change: p.Thr396=; no amino-acid change (threonine 396 retained).
Molecular consequence: synonymous variant.
Genome position (GRCh38, 1-based): chr6:47,595,940, C>G. VCF-style: chr6-47595940-C-G. GRCh37 (hg19) VCF-style: chr6-47563676-C-G.
Identifiers: ClinVar variation 357173 (VCV000357173.9), dbSNP rs147254896, ClinGen allele CA3844250.

ClinVar aggregate classification (germline): Likely benign. Review status: criteria provided, multiple submitters, no conflicts (2 of 4 stars). 2 submissions from 2 submitters: Likely benign (2). Last evaluated 2022-02-09.

Conditions:
Focal segmental glomerulosclerosis 3, susceptibility to (FSGS3). Identifiers: Orphanet 656, MedGen C1842982, MONDO:0011917, OMIM 607832.

Allele frequency attached by ClinVar (database versions not stated): TOPMed 0.00003; ESP Exome Variant Server 0.00015.
gnomAD v4.1: 179 of 1,612,418 alleles (0.011%); highest among the groups gnomAD compares: Non-Finnish European, 0.015%; no homozygotes.

Submissions (2):

Labcorp Genetics (formerly Invitae), Labcorp
Classification: Likely benign. Last evaluated: 2022-02-09. Review status: criteria provided, single submitter. Criteria: Invitae Variant Classification Sherloc (09022015). Collection method: clinical testing. Allele origin: germline.

Illumina Laboratory Services, Illumina
Classification: Likely benign for Focal segmental glomerulosclerosis 3, susceptibility to. Last evaluated: 2018-01-12. Review status: criteria provided, single submitter. Criteria: ICSL Variant Classification Criteria 13 December 2019. Collection method: clinical testing. Allele origin: germline.
Comment: This variant was observed in the ICSL laboratory as part of a predisposition screen in an ostensibly healthy population. It had not been previously curated by ICSL or reported in the Human Gene Mutation Database (HGMD: prior to June 1st, 2018), and was therefore a candidate for classification through an automated scoring system. Utilizing variant allele frequency, disease prevalence and penetrance estimates, and inheritance mode, an automated score was calculated to assess if this variant is too frequent to cause the disease. Based on the score and internal cut-off values, a variant classified as likely benign is not then subjected to further curation. The score for this variant resulted in a classification of likely benign for this disease.